The following is an entry in ClinVar:

ClinVar aggregate classification (germline): Likely benign. Review status: criteria provided, single submitter (1 of 4 stars). 2 submissions from 2 submitters: Likely benign (1). 1 of the submissions does not count toward it. Last evaluated 2025-12-21.

Conditions:
C8A-related disorder. Also called: C8A-related condition.

Allele frequency attached by ClinVar (database versions not stated): gnomAD exomes 0.00038; ExAC 0.00053; gnomAD 0.00153 and 0.00169; ESP Exome Variant Server 0.00169; TOPMed 0.00176; 1000 Genomes Project 0.00180; 1000 Genomes Project 30x 0.00219.
gnomAD v4.1: 463 of 1,614,212 alleles (0.029%); highest among the groups gnomAD compares: African/African-American, 0.56%; 3 homozygotes.

Submissions (2):

Labcorp Genetics (formerly Invitae), Labcorp
Classification: Likely benign. Last evaluated: 2025-12-21. Review status: criteria provided, single submitter. Criteria: Invitae Variant Classification Sherloc (09022015). Collection method: clinical testing. Allele origin: germline.

PreventionGenetics, part of Exact Sciences
Classification: Likely benign for C8A-related condition. Last evaluated: 2019-07-11. Review status: no assertion criteria provided. Collection method: clinical testing. Allele origin: germline. Not counted in ClinVar's aggregate classification.
Comment: This variant is classified as likely benign based on ACMG/AMP sequence variant interpretation guidelines (Richards et al. 2015 PMID: 25741868, with internal and published modifications).

NM_000562.3(C8A):c.1661G>A (p.Gly554Asp)

Gene: C8A (complement C8 alpha chain; plus strand). Cytogenetic location: 1p32.2.
Variant type: single nucleotide variant.
Coding change: c.1661G>A on transcript NM_000562.3 (MANE Select); coding-DNA position 1661, G replaced by A.
Protein change: p.Gly554Asp; replaces glycine 554 with aspartic acid.
Molecular consequence: missense variant.
Genome position (GRCh38, 1-based): chr1:56,917,622, G>A. VCF-style: chr1-56917622-G-A. GRCh37 (hg19) VCF-style: chr1-57383295-G-A.
Other names: short protein forms G554D.
Identifiers: ClinVar variation 742991 (VCV000742991.11), dbSNP rs148949314, ClinGen allele CA875469.